The following is an entry in ClinVar:

ClinVar aggregate classification (germline): Uncertain significance. Review status: criteria provided, multiple submitters, no conflicts (2 of 4 stars). 2 submissions from 2 submitters: Uncertain significance (2). Last evaluated 2024-03-01.

Allele frequency attached by ClinVar (database versions not stated): ExAC 0.00001; gnomAD 0.00001; TOPMed 0.00001.
gnomAD v4.1: 25 of 1,613,680 alleles (0.0015%); highest among the groups gnomAD compares: East Asian, 0.0022%; no homozygotes.

Submissions (2):

CeGaT Center for Human Genetics Tuebingen
Classification: Uncertain significance. Last evaluated: 2024-03-01. Review status: criteria provided, single submitter. Criteria: CeGaT Center For Human Genetics Tuebingen Variant Classification Criteria Version 2. Collection method: clinical testing. Allele origin: germline. Affected: yes. Observed: 1 variant allele.
Comment: PLAA: PM2, BP4

Labcorp Genetics (formerly Invitae), Labcorp
Classification: Uncertain significance. Last evaluated: 2021-11-15. Review status: criteria provided, single submitter. Criteria: Invitae Variant Classification Sherloc (09022015). Collection method: clinical testing. Allele origin: germline.
Comment: This sequence change replaces histidine, which is basic and polar, with aspartic acid, which is acidic and polar, at codon 319 of the PLAA protein (p.His319Asp). This variant is present in population databases (rs753300259, gnomAD 0.0009%). This variant has not been reported in the literature in individuals affected with PLAA-related conditions. Algorithms developed to predict the effect of missense changes on protein structure and function (SIFT, PolyPhen-2, Align-GVGD) all suggest that this variant is likely to be tolerated. In summary, the available evidence is currently insufficient to determine the role of this variant in disease. Therefore, it has been classified as a Variant of Uncertain Significance.

NM_001031689.3(PLAA):c.955C>G (p.His319Asp)

Gene: PLAA (phospholipase A2 activating protein; minus strand). Cytogenetic location: 9p21.2.
Variant type: single nucleotide variant.
Coding change: c.955C>G on transcript NM_001031689.3 (MANE Select); coding-DNA position 955, C replaced by G.
Protein change: p.His319Asp; replaces histidine 319 with aspartic acid.
Molecular consequence: missense variant.
Genome position (GRCh38, 1-based): chr9:26,923,262, G>C on the plus strand (C>G on the coding strand, the complement: PLAA is on the minus strand). VCF-style: chr9-26923262-G-C. GRCh37 (hg19) VCF-style: chr9-26923260-G-C.
Other names: c.955C>G, p.His319Asp (NM_001321546.2); short protein forms H319D.
Identifiers: ClinVar variation 1489693 (VCV001489693.27), dbSNP rs753300259, ClinGen allele CA5014504.